The following is an entry in ClinVar:

ClinVar aggregate classification (germline): Likely benign. Review status: criteria provided, multiple submitters, no conflicts (2 of 4 stars). 3 submissions from 3 submitters: Likely benign (3). Last evaluated 2025-06-11.

Conditions:
Familial cancer of breast. Also called: BREAST CANCER, FAMILIAL; hereditary breast carcinoma; Hereditary breast cancer. Identifiers: Orphanet 227535, MedGen C0346153, MONDO:0016419, OMIM 114480. Disease mechanism: loss of function.
Ataxia-telangiectasia syndrome (AT). Also called: AT, COMPLEMENTATION GROUP C; ATAXIA-TELANGIECTASIA, COMPLEMENTATION GROUP A; ATAXIA-TELANGIECTASIA, FRESNO VARIANT; LOUIS-BAR SYNDROME; Ataxia-telangiectasia; Cerebello-oculocutaneous telangiectasia. Identifiers: Orphanet 100, MedGen C0004135, MONDO:0008840, OMIM 208900.

Allele frequency attached by ClinVar (database versions not stated): TOPMed below 0.00001.

Submissions (3):

Labcorp Genetics (formerly Invitae), Labcorp
Classification: Likely benign for Ataxia-telangiectasia syndrome. Last evaluated: 2025-06-11. Review status: criteria provided, single submitter. Criteria: Invitae Variant Classification Sherloc (09022015). Collection method: clinical testing. Allele origin: germline.

Myriad Genetics, Inc.
Classification: Likely benign for Familial cancer of breast. Last evaluated: 2024-05-20. Review status: criteria provided, single submitter. Criteria: Myriad Autosomal Dominant, Autosomal Recessive and X-Linked Classification Criteria (2023). Collection method: clinical testing. Allele origin: unknown.
Comment: This variant is considered likely benign. This variant is intronic and is not expected to impact mRNA splicing.

GeneDx
Classification: Likely benign. Last evaluated: 2016-05-11. Review status: criteria provided, single submitter. Criteria: GeneDx Variant Classification (06012015). Collection method: clinical testing. Allele origin: germline. Affected: yes.
Comment: This variant is considered likely benign or benign based on one or more of the following criteria: it is a conservative change, it occurs at a poorly conserved position in the protein, it is predicted to be benign by multiple in silico algorithms, and/or has population frequency not consistent with disease.

NM_000051.4(ATM):c.4611+8T>C

Gene: ATM (ATM serine/threonine kinase; plus strand). Cytogenetic location: 11q22.3.
Variant type: single nucleotide variant.
Coding change: c.4611+8T>C on transcript NM_000051.4 (MANE Select); 8 bases into the intron after coding-DNA position 4611, T replaced by C.
Molecular consequence: intron variant.
Genome position (GRCh38, 1-based): chr11:108,292,801, T>C. VCF-style: chr11-108292801-T-C. GRCh37 (hg19) VCF-style: chr11-108163528-T-C.
Other names: c.4611+8T>C (NM_001351834.2).
Identifiers: ClinVar variation 386133 (VCV000386133.10), dbSNP rs1057522426, ClinGen allele CA16606812.